The following is an entry in ClinVar:

NM_000393.5(COL5A2):c.3040-40A>G

Gene: COL5A2 (collagen type V alpha 2 chain; minus strand). Cytogenetic location: 2q32.2.
Variant type: single nucleotide variant.
Coding change: c.3040-40A>G on transcript NM_000393.5 (MANE Select); 40 bases into the intron before coding-DNA position 3040, A replaced by G.
Molecular consequence: intron variant.
Genome position (GRCh38, 1-based): chr2:189,049,494, T>C on the plus strand (A>G on the coding strand, the complement: COL5A2 is on the minus strand). VCF-style: chr2-189049494-T-C. GRCh37 (hg19) VCF-style: chr2-189914220-T-C.
Identifiers: ClinVar variation 675691 (VCV000675691.2), dbSNP rs114502556, ClinGen allele CA2022124.

ClinVar aggregate classification (germline): Likely benign. Review status: criteria provided, multiple submitters, no conflicts (2 of 4 stars). 2 submissions from 2 submitters: Likely benign (2). Last evaluated 2018-06-14.

Allele frequency attached by ClinVar (database versions not stated): gnomAD exomes 0.00095 and 0.00245; ExAC 0.00393; gnomAD 0.00927 and 0.01007; ESP Exome Variant Server 0.01031; TOPMed 0.01055; 1000 Genomes Project 0.01138; 1000 Genomes Project 30x 0.01234.
gnomAD v4.1: 2,747 of 1,508,304 alleles (0.18%); highest among the groups gnomAD compares: African/African-American, 3.3%; 42 homozygotes.

Submissions (2):

GeneDx
Classification: Likely benign. Last evaluated: 2018-06-14. Review status: criteria provided, single submitter. Criteria: GeneDx Variant Classification (06012015). Collection method: clinical testing. Allele origin: germline. Affected: yes.
Comment: This variant is considered likely benign or benign based on one or more of the following criteria: it is a conservative change, it occurs at a poorly conserved position in the protein, it is predicted to be benign by multiple in silico algorithms, and/or has population frequency not consistent with disease.

Breakthrough Genomics
Classification: Likely benign. Review status: criteria provided, single submitter. Criteria: ACMG Guidelines, 2015. Collection method: not provided. Allele origin: germline. Inheritance: Autosomal dominant inheritance. Affected: yes.